The following is an entry in ClinVar:

ClinVar aggregate classification (germline): Uncertain significance. Review status: criteria provided, multiple submitters, no conflicts (2 of 4 stars). 2 submissions from 2 submitters: Uncertain significance (2). Last evaluated 2026-01-11.

Conditions:
Charcot-Marie-Tooth disease type 2. Also called: Charcot-Marie-Tooth type 2. Identifiers: Orphanet 64746, MedGen C0270914, MONDO:0018993.

gnomAD v4.1: 2 of 1,614,072 alleles (0.00012%); highest among the groups gnomAD compares: Admixed American, 0.0033%; no homozygotes.

Submissions (2):

Labcorp Genetics (formerly Invitae), Labcorp
Classification: Uncertain significance for Charcot-Marie-Tooth disease type 2. Last evaluated: 2026-01-11. Review status: criteria provided, single submitter. Criteria: Invitae Variant Classification Sherloc (09022015). Collection method: clinical testing. Allele origin: germline.
Comment: This sequence change replaces proline, which is neutral and non-polar, with arginine, which is basic and polar, at codon 1652 of the KIF1B protein (p.Pro1652Arg). This variant is not present in population databases (gnomAD no frequency). This variant has not been reported in the literature in individuals affected with KIF1B-related conditions. ClinVar contains an entry for this variant (Variation ID: 3288418). An algorithm developed to predict the effect of missense changes on protein structure and function (PolyPhen-2) suggests that this variant is likely to be disruptive. In summary, the available evidence is currently insufficient to determine the role of this variant in disease. Therefore, it has been classified as a Variant of Uncertain Significance.

Ambry Genetics
Classification: Uncertain significance. Last evaluated: 2024-04-11. Review status: criteria provided, single submitter. Criteria: Ambry Variant Classification Scheme 2023. Collection method: clinical testing. Allele origin: germline.
Comment: The p.P1652R variant (also known as c.4955C>G), located in coding exon 43 of the KIF1B gene, results from a C to G substitution at nucleotide position 4955. The proline at codon 1652 is replaced by arginine, an amino acid with dissimilar properties. This amino acid position is conserved. In addition, this alteration is predicted to be tolerated by in silico analysis. Based on the available evidence, the clinical significance of this variant remains unclear.

NM_001365951.3(KIF1B):c.5093C>G (p.Pro1698Arg)

Gene: KIF1B (kinesin family member 1B; plus strand). Cytogenetic location: 1p36.22.
Variant type: single nucleotide variant.
Coding change: c.5093C>G on transcript NM_001365951.3 (MANE Select); coding-DNA position 5093, C replaced by G.
Protein change: p.Pro1698Arg; replaces proline 1698 with arginine.
Molecular consequence: missense variant.
Genome position (GRCh38, 1-based): chr1:10,374,462, C>G. VCF-style: chr1-10374462-C-G. GRCh37 (hg19) VCF-style: chr1-10434520-C-G.
Other names: c.5093C>G, p.Pro1698Arg (NM_001365952.1); c.4955C>G, p.Pro1652Arg (NM_015074.3); short protein forms P1698R, P1652R.
Identifiers: ClinVar variation 3288418 (VCV003288418.3).